The following is an entry in ClinVar:

ClinVar aggregate classification (germline): Uncertain significance (1 of 4 stars; one submission).

Conditions:
Familial adenomatous polyposis 1 (FAP1). Also called: FAMILIAL ADENOMATOUS POLYPOSIS 1, ATTENUATED; POLYPOSIS, ADENOMATOUS INTESTINAL. Identifiers: MedGen C2713442, MONDO:0021056, OMIM 175100. Disease mechanism: loss of function.

Submission:

Labcorp Genetics (formerly Invitae), Labcorp
Classification: Uncertain significance for Familial adenomatous polyposis 1. Last evaluated: 2023-12-15. Review status: criteria provided, single submitter. Criteria: Invitae Variant Classification Sherloc (09022015). Collection method: clinical testing. Allele origin: germline.
Comment: This sequence change replaces leucine, which is neutral and non-polar, with isoleucine, which is neutral and non-polar, at codon 229 of the APC protein (p.Leu229Ile). This variant is not present in population databases (gnomAD no frequency). This variant has not been reported in the literature in individuals affected with APC-related conditions. ClinVar contains an entry for this variant (Variation ID: 645456). Advanced modeling of protein sequence and biophysical properties (such as structural, functional, and spatial information, amino acid conservation, physicochemical variation, residue mobility, and thermodynamic stability) performed at Invitae indicates that this missense variant is not expected to disrupt APC protein function with a negative predictive value of 95%. In summary, the available evidence is currently insufficient to determine the role of this variant in disease. Therefore, it has been classified as a Variant of Uncertain Significance.

NM_000038.6(APC):c.685C>A (p.Leu229Ile)

Gene: APC (APC regulator of Wnt signaling pathway; plus strand). Cytogenetic location: 5q22.2.
Variant type: single nucleotide variant.
Coding change: c.685C>A on transcript NM_000038.6 (MANE Select); coding-DNA position 685, C replaced by A.
Protein change: p.Leu229Ile; replaces leucine 229 with isoleucine.
Molecular consequence: missense variant. On other transcripts: 5 prime UTR variant (1), intron variant (2).
Genome position (GRCh38, 1-based): chr5:112,792,485, C>A. VCF-style: chr5-112792485-C-A. GRCh37 (hg19) VCF-style: chr5-112128182-C-A.
Other names: c.685C>A, p.Leu229Ile (NM_001127510.3, NM_001354895.2, NM_001354896.2 and 1 more transcripts); c.715C>A, p.Leu239Ile (NM_001354897.2, NM_001354902.2); c.610C>A, p.Leu204Ile (NM_001354898.2, NM_001354904.2); c.508C>A, p.Leu170Ile (NM_001354900.2, NM_001354901.2, NM_001354905.2); c.-351C>A (NM_001354906.2); c.676-8794C>A (NM_001127511.3); c.646-8794C>A (NM_001354899.2); short protein forms L170I, L204I, L229I, L239I.
Identifiers: ClinVar variation 645456 (VCV000645456.10), dbSNP rs1580423911, ClinGen allele CA16022836.